The following is an entry in ClinVar:

ClinVar aggregate classification (germline): Likely benign (1 of 4 stars; one submission).

Conditions:
SYNM-related disorder. Also called: SYNM-related condition.

Submission:

PreventionGenetics, part of Exact Sciences
Classification: Likely benign for SYNM-related condition. Last evaluated: 2024-11-25. Review status: criteria provided, single submitter. Criteria: ACMG Guidelines, 2015. Collection method: clinical testing. Allele origin: germline.
Comment: This variant is classified as likely benign based on ACMG/AMP sequence variant interpretation guidelines (Richards et al. 2015 PMID: 25741868, with internal and published modifications).

NM_145728.3(SYNM):c.2427G>A (p.Gln809=)

Gene: SYNM (synemin; plus strand). Cytogenetic location: 15q26.3.
Variant type: single nucleotide variant.
Coding change: c.2427G>A on transcript NM_145728.3 (MANE Select); coding-DNA position 2427, G replaced by A.
Protein change: p.Gln809=; no amino-acid change (glutamine 809 retained).
Molecular consequence: synonymous variant.
Genome position (GRCh38, 1-based): chr15:99,130,787, G>A. VCF-style: chr15-99130787-G-A. GRCh37 (hg19) VCF-style: chr15-99670992-G-A.
Other names: c.2427G>A, p.Gln809= (NM_015286.6).
Identifiers: ClinVar variation 4990810 (VCV004990810.1).